The following is an entry in ClinVar:

ClinVar aggregate classification (germline): Uncertain significance (1 of 4 stars; one submission).

Conditions:
Landau-Kleffner syndrome (FESD). Also called: EPILEPSY, FOCAL, WITH SPEECH DISORDER AND WITH OR WITHOUT MENTAL RETARDATION; APHASIA, ACQUIRED, WITH EPILEPSY. Identifiers: Orphanet 1945, Orphanet 725, Orphanet 98818, MedGen C0282512, MONDO:0009509, OMIM 245570.

Submission:

Labcorp Genetics (formerly Invitae), Labcorp
Classification: Uncertain significance for Landau-Kleffner syndrome. Last evaluated: 2024-10-02. Review status: criteria provided, single submitter. Criteria: Invitae Variant Classification Sherloc (09022015). Collection method: clinical testing. Allele origin: germline.
Comment: This sequence change replaces isoleucine, which is neutral and non-polar, with valine, which is neutral and non-polar, at codon 222 of the GRIN2A protein (p.Ile222Val). This variant is not present in population databases (gnomAD no frequency). This variant has not been reported in the literature in individuals affected with GRIN2A-related conditions. Invitae Evidence Modeling of protein sequence and biophysical properties (such as structural, functional, and spatial information, amino acid conservation, physicochemical variation, residue mobility, and thermodynamic stability) indicates that this missense variant is not expected to disrupt GRIN2A protein function with a negative predictive value of 95%. In summary, the available evidence is currently insufficient to determine the role of this variant in disease. Therefore, it has been classified as a Variant of Uncertain Significance.

NM_001134407.3(GRIN2A):c.664A>G (p.Ile222Val)

Gene: GRIN2A (glutamate ionotropic receptor NMDA type subunit 2A; minus strand). Cytogenetic location: 16p13.2.
Variant type: single nucleotide variant.
Coding change: c.664A>G on transcript NM_001134407.3 (MANE Select); coding-DNA position 664, A replaced by G.
Protein change: p.Ile222Val; replaces isoleucine 222 with valine.
Molecular consequence: missense variant.
Genome position (GRCh38, 1-based): chr16:9,938,302, T>C on the plus strand (A>G on the coding strand, the complement: GRIN2A is on the minus strand). VCF-style: chr16-9938302-T-C. GRCh37 (hg19) VCF-style: chr16-10032159-T-C.
Other names: c.664A>G, p.Ile222Val (NM_000833.5, NM_001134408.2); short protein forms I222V.
Identifiers: ClinVar variation 2911782 (VCV002911782.3), dbSNP rs2543142006, ClinGen allele CA394798768.